The following is an entry in ClinVar:

ClinVar aggregate classification (germline): Uncertain significance (1 of 4 stars; one submission).

Submission:

Labcorp Genetics (formerly Invitae), Labcorp
Classification: Uncertain significance. Last evaluated: 2022-09-12. Review status: criteria provided, single submitter. Criteria: Invitae Variant Classification Sherloc (09022015). Collection method: clinical testing. Allele origin: germline.
Comment: In summary, the available evidence is currently insufficient to determine the role of this variant in disease. Therefore, it has been classified as a Variant of Uncertain Significance. Algorithms developed to predict the effect of missense changes on protein structure and function are either unavailable or do not agree on the potential impact of this missense change (SIFT: "Not Available"; PolyPhen-2: "Possibly Damaging"; Align-GVGD: "Not Available"). ClinVar contains an entry for this variant (Variation ID: 1494647). This variant has not been reported in the literature in individuals affected with GUCA1A-related conditions. This variant is not present in population databases (gnomAD no frequency). This sequence change replaces asparagine with lysine at codon 3 of the GUCA1A protein (p.Asn3Lys). The asparagine residue is moderately conserved and there is a moderate physicochemical difference between asparagine and lysine.

NM_001384910.1(GUCA1A):c.9C>G (p.Asn3Lys)

Genes: GUCA1A (guanylate cyclase activator 1A; plus strand), GUCA1ANB-GUCA1A (GUCA1ANB-GUCA1A readthrough; plus strand). Cytogenetic location: 6p21.1.
Variant type: single nucleotide variant.
Coding change: c.9C>G on transcript NM_001384910.1 (MANE Select); coding-DNA position 9, C replaced by G.
Protein change: p.Asn3Lys; replaces asparagine 3 with lysine.
Molecular consequence: missense variant.
Genome position (GRCh38, 1-based): chr6:42,173,622, C>G. VCF-style: chr6-42173622-C-G. GRCh37 (hg19) VCF-style: chr6-42141360-C-G.
Other names: c.9C>G, p.Asn3Lys (NM_000409.5, NM_001319061.2, NM_001319062.2); short protein forms N3K.
Identifiers: ClinVar variation 1494647 (VCV001494647.6), dbSNP rs116114043, ClinGen allele CA364104943.
Genomic context (GRCh38, chr6:42,173,622, plus strand): 5'-CAGCGAACAGGGCCTGTCCATCTCAGACGTCAGCCCCCTGAAGGCCTGAGCAATGGGCAA[C>G]GTGATGGAGGGAAAGTCAGTGGAGGAGCTGAGCAGCACCGAGTGCCACCAGTGGTACAAG-3'
Protein context (NP_001371839.1, residues 1-13): MG[Asn3Lys]VMEGKSVEEL